The following is an entry in ClinVar:

NM_017617.5(NOTCH1):c.3874C>A (p.His1292Asn)

Gene: NOTCH1 (notch receptor 1; minus strand). Cytogenetic location: 9q34.3.
Variant type: single nucleotide variant.
Coding change: c.3874C>A on transcript NM_017617.5 (MANE Select); coding-DNA position 3874, C replaced by A.
Protein change: p.His1292Asn; replaces histidine 1292 with asparagine.
Molecular consequence: missense variant.
Genome position (GRCh38, 1-based): chr9:136,506,743, G>T on the plus strand (C>A on the coding strand, the complement: NOTCH1 is on the minus strand). VCF-style: chr9-136506743-G-T. GRCh37 (hg19) VCF-style: chr9-139401195-G-T.
Other names: short protein forms H1292N.
Identifiers: ClinVar variation 3622288 (VCV003622288.2).

ClinVar aggregate classification (germline): Uncertain significance (1 of 4 stars; one submission).

Conditions:
Adams-Oliver syndrome 5 (AOS5). Identifiers: Orphanet 974, MedGen C4014970, MONDO:0014459, OMIM 616028.

Submission:

Labcorp Genetics (formerly Invitae), Labcorp
Classification: Uncertain significance for Adams-Oliver syndrome 5. Last evaluated: 2024-06-12. Review status: criteria provided, single submitter. Criteria: Invitae Variant Classification Sherloc (09022015). Collection method: clinical testing. Allele origin: germline.
Comment: This sequence change replaces histidine, which is basic and polar, with asparagine, which is neutral and polar, at codon 1292 of the NOTCH1 protein (p.His1292Asn). This variant is not present in population databases (gnomAD no frequency). This variant has not been reported in the literature in individuals affected with NOTCH1-related conditions. Advanced modeling of protein sequence and biophysical properties (such as structural, functional, and spatial information, amino acid conservation, physicochemical variation, residue mobility, and thermodynamic stability) performed at Invitae indicates that this missense variant is not expected to disrupt NOTCH1 protein function with a negative predictive value of 80%. In summary, the available evidence is currently insufficient to determine the role of this variant in disease. Therefore, it has been classified as a Variant of Uncertain Significance.